The following is an entry in ClinVar:

ClinVar aggregate classification (germline): Pathogenic (1 of 4 stars; one submission).

Conditions:
Long chain 3-hydroxyacyl-CoA dehydrogenase deficiency. Also called: LCHAD Deficiency; Deficiency of long-chain 3-hydroxyacyl-coenzyme A dehydrogenase. Identifiers: Orphanet 5, MedGen C3711645, MONDO:0012173, OMIM 609016.
Mitochondrial trifunctional protein deficiency. Identifiers: Orphanet 746, MedGen C1969443, MONDO:0012172.

Submission:

Labcorp Genetics (formerly Invitae), Labcorp
Classification: Pathogenic for Mitochondrial trifunctional protein deficiency; Long chain 3-hydroxyacyl-CoA dehydrogenase deficiency. Last evaluated: 2022-06-09. Review status: criteria provided, single submitter. Criteria: Invitae Variant Classification Sherloc (09022015). Collection method: clinical testing. Allele origin: germline.
Comment: For these reasons, this variant has been classified as Pathogenic. This variant has not been reported in the literature in individuals affected with HADHA-related conditions. This variant is a gross deletion of the genomic region encompassing exon(s) 2-4 of the HADHA gene. This deletion is out-of-frame, and is expected to create a premature termination codon and result in an absent or disrupted protein product. Loss-of-function variants in HADHA are known to be pathogenic (PMID: 7738175, 21103935, 21549624, 22459206).

Literature cited by the submitters: PubMed 7738175; PubMed 21103935; PubMed 21549624; PubMed 22459206.

NC_000002.12:g.(?_26236845)_(26239153_?)del

Gene: HADHA (hydroxyacyl-CoA dehydrogenase trifunctional multienzyme complex subunit alpha; minus strand). Cytogenetic location: 2p23.3.
Variant type: Deletion.
Identifiers: ClinVar variation 831608 (VCV000831608.3).